The following is an entry in ClinVar:

NM_201384.3(PLEC):c.4033G>A (p.Glu1345Lys)

Gene: PLEC (plectin; minus strand). Cytogenetic location: 8q24.3.
Variant type: single nucleotide variant.
Coding change: c.4033G>A on transcript NM_201384.3 (MANE Select); coding-DNA position 4033, G replaced by A.
Protein change: p.Glu1345Lys; replaces glutamic acid 1345 with lysine.
Molecular consequence: missense variant.
Genome position (GRCh38, 1-based): chr8:143,926,795, C>T on the plus strand (G>A on the coding strand, the complement: PLEC is on the minus strand). VCF-style: chr8-143926795-C-T. GRCh37 (hg19) VCF-style: chr8-145000963-C-T.
Other names: c.4114G>A, p.Glu1372Lys (NM_000445.5); c.3991G>A, p.Glu1331Lys (NM_201378.4); c.3967G>A, p.Glu1323Lys (NM_201379.3); c.4444G>A, p.Glu1482Lys (NM_201380.4); c.3937G>A, p.Glu1313Lys (NM_201381.3); c.4033G>A, p.Glu1345Lys (NM_201382.4); c.4045G>A, p.Glu1349Lys (NM_201383.3); short protein forms E1482K, E1313K, E1323K, E1349K, E1372K, E1331K, E1345K.
Identifiers: ClinVar variation 916360 (VCV000916360.49), dbSNP rs375230228, ClinGen allele CA187617873.

ClinVar aggregate classification (germline): Uncertain significance. Review status: criteria provided, multiple submitters, no conflicts (2 of 4 stars). 3 submissions from 3 submitters: Uncertain significance (3). Last evaluated 2024-04-30.

Conditions:
Epidermolysis bullosa simplex 5B, with muscular dystrophy (EBS5B). Also called: Epidermolysis bullosa simplex with muscular dystrophy; EPIDERMOLYSIS BULLOSA SIMPLEX AND LIMB-GIRDLE MUSCULAR DYSTROPHY. Identifiers: Orphanet 257, MedGen C2931072, MONDO:0009181, OMIM 226670.
Epidermolysis bullosa simplex, Ogna type (EBS5A). Also called: Pidermolysis bullosa simplex 5A, Ogna type; EPIDERMOLYSIS BULLOSA SIMPLEX 5A, OGNA TYPE. Identifiers: Orphanet 79401, MedGen C0432317, MONDO:0007555, OMIM 131950.
Autosomal recessive limb-girdle muscular dystrophy type 2Q (LGMDR17). Also called: MUSCULAR DYSTROPHY, LIMB-GIRDLE, AUTOSOMAL RECESSIVE 17. Identifiers: Orphanet 254361, MedGen C3150989, MONDO:0013390, OMIM 613723.
Epidermolysis bullosa simplex 5C, with pyloric atresia (EBS5C). Also called: PLEC-Related Epidermolysis Bullosa with Pyloric Atresia; Epidermolysis bullosa simplex with pyloric atresia; PLEC1-Related Epidermolysis Bullosa with Pyloric Atresia. Identifiers: Orphanet 158684, MedGen C2677349, MONDO:0012807, OMIM 612138.
Epidermolysis bullosa simplex with nail dystrophy (EBS5D). Identifiers: MedGen C4225309, MONDO:0014661, OMIM 616487.

Allele frequency attached by ClinVar (database versions not stated): gnomAD exomes below 0.00001 and 0.00001; TOPMed below 0.00001; ESP Exome Variant Server 0.00008.

Submissions (3):

Labcorp Genetics (formerly Invitae), Labcorp
Classification: Uncertain significance for Autosomal recessive limb-girdle muscular dystrophy type 2Q; Epidermolysis bullosa simplex, Ogna type; Epidermolysis bullosa simplex with nail dystrophy; Epidermolysis bullosa simplex 5C, with pyloric atresia; Epidermolysis bullosa simplex 5B, with muscular dystrophy. Last evaluated: 2024-04-30. Review status: criteria provided, single submitter. Criteria: Invitae Variant Classification Sherloc (09022015). Collection method: clinical testing. Allele origin: germline.
Comment: This sequence change replaces glutamic acid, which is acidic and polar, with lysine, which is basic and polar, at codon 1372 of the PLEC protein (p.Glu1372Lys). This variant is present in population databases (rs375230228, gnomAD 0.002%). This variant has not been reported in the literature in individuals affected with PLEC-related conditions. ClinVar contains an entry for this variant (Variation ID: 916360). Advanced modeling of protein sequence and biophysical properties (such as structural, functional, and spatial information, amino acid conservation, physicochemical variation, residue mobility, and thermodynamic stability) has been performed at Invitae for this missense variant, however the output from this modeling did not meet the statistical confidence thresholds required to predict the impact of this variant on PLEC protein function. In summary, the available evidence is currently insufficient to determine the role of this variant in disease. Therefore, it has been classified as a Variant of Uncertain Significance.

Revvity Omics, Revvity
Classification: Uncertain significance. Last evaluated: 2021-08-23. Review status: criteria provided, single submitter. Criteria: ACMG Guidelines, 2015. Collection method: clinical testing. Allele origin: germline.

CeGaT Center for Human Genetics Tuebingen
Classification: Uncertain significance. Last evaluated: 2020-05-01. Review status: criteria provided, single submitter. Criteria: CeGaT Center For Human Genetics Tuebingen Variant Classification Criteria Version 2. Collection method: clinical testing. Allele origin: germline. Affected: yes. Observed: 1 variant allele.